The following is an entry in ClinVar:

ClinVar aggregate classification (germline): Pathogenic. Review status: criteria provided, single submitter (1 of 4 stars). 2 submissions from 2 submitters: Pathogenic (1). 1 of the submissions does not count toward it. Last evaluated 2022-05-24.

Conditions:
46,XY sex reversal 1. Also called: 46,XY SEX REVERSAL, SRY-RELATED; SRY-related 46,XY complete gonadal dysgenesis. Identifiers: Orphanet 242, MedGen C2748896, MONDO:0020712, OMIM 400044.

Submissions (2):

GeneDx
Classification: Pathogenic. Last evaluated: 2022-05-24. Review status: criteria provided, single submitter. Criteria: GeneDx Variant Classification Process June 2021. Collection method: clinical testing. Allele origin: germline. Affected: yes.
Comment: Reported in one family with several affected females with 46,XY gonadal dysgenesis, including sisters who inherited the variant from their unaffected father (Berta et al., 1990; Vilain et al., 1992); Published functional studies demonstrate V60L damages transcriptional activation and repression of target genes, subcellular localization, phosphorylation, protein stability, and Wnt/B-catenin signaling (Phillips et al., 2011; Chen et al., 2013); In silico analysis supports that this missense variant has a deleterious effect on protein structure/function; Missense variants in this gene are often considered pathogenic (HGMD); Not observed at significant frequency in large population cohorts (gnomAD); This variant is associated with the following publications: (PMID: 18675318, 21849498, 1734522, 24003159, 1570829, 10690846, 2247149)

OMIM
Classification: Pathogenic for 46,XY SEX REVERSAL 1. Last evaluated: 1992-05-01. Review status: no assertion criteria provided. Collection method: literature only. Allele origin: germline. Not counted in ClinVar's aggregate classification.

Literature cited by the submitters: PubMed 1570829 (cited by OMIM).

NM_003140.3(SRY):c.178G>C (p.Val60Leu)

Gene: SRY (sex determining region Y; minus strand). Cytogenetic location: Yp11.2.
Variant type: single nucleotide variant.
Coding change: c.178G>C on transcript NM_003140.3 (MANE Select); coding-DNA position 178, G replaced by C.
Protein change: p.Val60Leu; replaces valine 60 with leucine.
Molecular consequence: missense variant.
Genome position (GRCh38, 1-based): chrY:2,787,426, C>G on the plus strand (G>C on the coding strand, the complement: SRY is on the minus strand). VCF-style: chrY-2787426-C-G. GRCh37 (hg19) VCF-style: chrY-2655467-C-G.
Other names: short protein forms V60L.
Identifiers: ClinVar variation 9739 (VCV000009739.3), dbSNP rs104894957, ClinGen allele CA254866.